The following is an entry in ClinVar:

ClinVar aggregate classification (germline): Uncertain significance. Review status: criteria provided, multiple submitters, no conflicts (2 of 4 stars). 3 submissions from 3 submitters: Uncertain significance (3). Last evaluated 2024-12-31.

Conditions:
Glycosylphosphatidylinositol biosynthesis defect 16. Also called: MENTAL RETARDATION, AUTOSOMAL RECESSIVE 62. Identifiers: MedGen C4540521, MONDO:0040500, OMIM 617816.

Allele frequency attached by ClinVar (database versions not stated): 1000 Genomes Project 0.00020; ESP Exome Variant Server 0.00023; gnomAD 0.00037 and 0.00043; TOPMed 0.00041; gnomAD exomes 0.00004 and 0.00010; ExAC 0.00013; 1000 Genomes Project 30x 0.00016.
gnomAD v4.1: 111 of 1,613,970 alleles (0.0069%); highest among the groups gnomAD compares: African/African-American, 0.13%; 1 homozygote.

Submissions (3):

GeneDx
Classification: Uncertain significance. Last evaluated: 2024-12-31. Review status: criteria provided, single submitter. Criteria: GeneDx Variant Classification Process June 2021. Collection method: clinical testing. Allele origin: germline. Affected: yes.
Comment: In silico analysis indicates that this missense variant does not alter protein structure/function; Has not been previously published as pathogenic or benign to our knowledge

Labcorp Genetics (formerly Invitae), Labcorp
Classification: Uncertain significance. Last evaluated: 2022-02-27. Review status: criteria provided, single submitter. Criteria: Invitae Variant Classification Sherloc (09022015). Collection method: clinical testing. Allele origin: germline.
Comment: This sequence change replaces threonine, which is neutral and polar, with isoleucine, which is neutral and non-polar, at codon 130 of the PIGC protein (p.Thr130Ile). This variant is present in population databases (rs146481462, gnomAD 0.1%). This variant has not been reported in the literature in individuals affected with PIGC-related conditions. ClinVar contains an entry for this variant (Variation ID: 1029616). Algorithms developed to predict the effect of missense changes on protein structure and function are either unavailable or do not agree on the potential impact of this missense change (SIFT: "Tolerated"; PolyPhen-2: "Probably Damaging"; Align-GVGD: "Class C0"). In summary, the available evidence is currently insufficient to determine the role of this variant in disease. Therefore, it has been classified as a Variant of Uncertain Significance.

Baylor Genetics
Classification: Uncertain significance for Glycosylphosphatidylinositol biosynthesis defect 16. Last evaluated: 2020-07-09. Review status: criteria provided, single submitter. Criteria: ACMG Guidelines, 2015. Collection method: clinical testing. Allele origin: unknown. Affected: yes.
Comment: This variant was determined to be of uncertain significance according to ACMG Guidelines, 2015 [PMID:25741868].

NM_153747.2(PIGC):c.389C>T (p.Thr130Ile)

Genes: C1orf105 (chromosome 1 open reading frame 105; plus strand), PIGC (phosphatidylinositol glycan anchor biosynthesis class C; minus strand). Cytogenetic location: 1q24.3.
Variant type: single nucleotide variant.
Coding change: c.389C>T on transcript NM_153747.2 (MANE Select); coding-DNA position 389, C replaced by T.
Protein change: p.Thr130Ile; replaces threonine 130 with isoleucine.
Molecular consequence: missense variant. On other transcripts: intron variant (1).
Genome position (GRCh38, 1-based): chr1:172,442,234, G>A on the plus strand (C>T on the coding strand, the complement: PIGC is on the minus strand). VCF-style: chr1-172442234-G-A. GRCh37 (hg19) VCF-style: chr1-172411374-G-A.
Other names: c.389C>T, p.Thr130Ile (NM_002642.4); c.22-2839G>A (NM_139240.4); short protein forms T130I.
Identifiers: ClinVar variation 1029616 (VCV001029616.4), dbSNP rs146481462, ClinGen allele CA1245976.
Genomic context (GRCh38, chr1:172,442,234, plus strand): 5'-TAGATGGTGTCAGTGCTGACAGACTCTGTAAGGGTCTTCAGCACTGGTGAAAACCCATAA[G>A]TGAAAGTAATGAAGACTAGGGCACTCTTCAGGTCAGCCCACCGGGTCTGCCCACTCTTCT-3'
Protein context (NP_714969.1, residues 120-140): LKSALVFITF[Thr130Ile]YGFSPVLKTL